The following is an entry in ClinVar:

NM_032043.3(BRIP1):c.2047G>C (p.Val683Leu)

Gene: BRIP1 (BRCA1 interacting DNA helicase 1; minus strand). Cytogenetic location: 17q23.2.
Variant type: single nucleotide variant.
Coding change: c.2047G>C on transcript NM_032043.3 (MANE Select); coding-DNA position 2047, G replaced by C.
Protein change: p.Val683Leu; replaces valine 683 with leucine.
Molecular consequence: missense variant.
Genome position (GRCh38, 1-based): chr17:61,776,451, C>G on the plus strand (G>C on the coding strand, the complement: BRIP1 is on the minus strand). VCF-style: chr17-61776451-C-G. GRCh37 (hg19) VCF-style: chr17-59853812-C-G.
Other names: short protein forms V683L.
Identifiers: ClinVar variation 650656 (VCV000650656.8), dbSNP rs773347072, ClinGen allele CA8690606.
Genomic context (GRCh38, chr17:61,776,451, plus strand): 5'-ATTCCCTTACCTTGTAAGATGGCAAGAAACACAAAATTCCTTGGCTCACAGTCTGGCACA[C>G]AGATAACAAAAGTGCTCCCACTTCATCTTGGAACTCAAATGTTTCAGTATTCTGGAAGGT-3'
Protein context (NP_114432.2, residues 673-693): QDEVGALLLS[Val683Leu]CQTVSQGILC

ClinVar aggregate classification (germline): Uncertain significance. Review status: criteria provided, multiple submitters, no conflicts (2 of 4 stars). 3 submissions from 3 submitters: Uncertain significance (3). Last evaluated 2024-07-24.

Conditions:
Familial cancer of breast. Also called: hereditary breast carcinoma; BREAST CANCER, FAMILIAL; Hereditary breast cancer. Identifiers: Orphanet 227535, MedGen C0346153, MONDO:0016419, OMIM 114480. Disease mechanism: loss of function.
Fanconi anemia complementation group J. Also called: BRIP1-Related Fanconi Anemia. Identifiers: Orphanet 84, MedGen C1836860, MONDO:0012187, OMIM 609054.
Hereditary cancer-predisposing syndrome. Also called: Hereditary Cancer Syndrome; Tumor predisposition; Neoplastic Syndromes, Hereditary; Hereditary neoplastic syndrome. Identifiers: Orphanet 140162, MedGen C0027672, MeSH D009386, MONDO:0015356.

Allele frequency attached by ClinVar (database versions not stated): gnomAD exomes below 0.00001; ExAC 0.00001; gnomAD 0.00003.
gnomAD v4.1: 5 of 1,614,118 alleles (0.00031%); highest among the groups gnomAD compares: Non-Finnish European, 0.00042%; no homozygotes.

Submissions (3):

Ambry Genetics
Classification: Uncertain significance for Hereditary cancer-predisposing syndrome. Last evaluated: 2024-07-24. Review status: criteria provided, single submitter. Criteria: Ambry Variant Classification Scheme 2023. Collection method: clinical testing. Allele origin: germline.
Comment: The p.V683L variant (also known as c.2047G>C), located in coding exon 13 of the BRIP1 gene, results from a G to C substitution at nucleotide position 2047. The valine at codon 683 is replaced by leucine, an amino acid with highly similar properties. This amino acid position is conserved. In addition, the in silico prediction for this alteration is inconclusive. Based on the available evidence, the clinical significance of this variant remains unclear.

Baylor Genetics
Classification: Uncertain significance for Familial cancer of breast. Last evaluated: 2023-12-21. Review status: criteria provided, single submitter. Criteria: ACMG Guidelines, 2015. Collection method: clinical testing. Allele origin: unknown.

Labcorp Genetics (formerly Invitae), Labcorp
Classification: Uncertain significance for Familial cancer of breast; Fanconi anemia complementation group J. Last evaluated: 2022-08-08. Review status: criteria provided, single submitter. Criteria: Invitae Variant Classification Sherloc (09022015). Collection method: clinical testing. Allele origin: germline.
Comment: This sequence change replaces valine, which is neutral and non-polar, with leucine, which is neutral and non-polar, at codon 683 of the BRIP1 protein (p.Val683Leu). This variant is present in population databases (rs773347072, gnomAD 0.002%). This variant has not been reported in the literature in individuals affected with BRIP1-related conditions. ClinVar contains an entry for this variant (Variation ID: 650656). Algorithms developed to predict the effect of missense changes on protein structure and function are either unavailable or do not agree on the potential impact of this missense change (SIFT: "Tolerated"; PolyPhen-2: "Probably Damaging"; Align-GVGD: "Class C0"). In summary, the available evidence is currently insufficient to determine the role of this variant in disease. Therefore, it has been classified as a Variant of Uncertain Significance.